The following is an entry in ClinVar:

NC_000011.9:g.(?_108111148)_(108117795_?)del

Gene: ATM (ATM serine/threonine kinase; plus strand). Cytogenetic location: 11q22.3.
Variant type: Deletion.
Identifiers: ClinVar variation 1454431 (VCV001454431.5).

ClinVar aggregate classification (germline): Pathogenic (1 of 4 stars; one submission).

Conditions:
Ataxia-telangiectasia syndrome (AT). Also called: Ataxia-telangiectasia, complementation group E; LOUIS-BAR SYNDROME; Ataxia-telangiectasia, complementation group D; AT, COMPLEMENTATION GROUP C; Ataxia-telangiectasia; Cerebello-oculocutaneous telangiectasia. Identifiers: Orphanet 100, MedGen C0004135, MONDO:0008840, OMIM 208900.

Submission:

Labcorp Genetics (formerly Invitae), Labcorp
Classification: Pathogenic for Ataxia-telangiectasia syndrome. Last evaluated: 2023-01-30. Review status: criteria provided, single submitter. Criteria: Invitae Variant Classification Sherloc (09022015). Collection method: clinical testing. Allele origin: germline.
Comment: For these reasons, this variant has been classified as Pathogenic. This variant disrupts a region of the ATM protein in which other variant(s) (p.Pro292Leu) have been determined to be pathogenic (PMID: 10873394, 18634022, 19431188, 30549301). This suggests that this is a clinically significant region of the protein, and that variants that disrupt it are likely to be disease-causing. This variant has not been reported in the literature in individuals affected with ATM-related conditions. This variant results in the deletion of exons 6-7 and part of exon 8 (c.497-3531_1007del) of the ATM gene. It is expected to disrupt RNA splicing. Variants that disrupt the donor or acceptor splice site typically lead to a loss of protein function (PMID: 16199547), and loss-of-function variants in ATM are known to be pathogenic (PMID: 23807571, 25614872).

Literature cited by the submitters: PubMed 10873394; PubMed 18634022; PubMed 19431188; PubMed 30549301; PubMed 16199547; PubMed 23807571; PubMed 25614872.